The following is an entry in ClinVar:

ClinVar aggregate classification (germline): Pathogenic (1 of 4 stars; one submission).

Conditions:
Charcot-Marie-Tooth disease, type I (CMT1). Also called: Charcot-Marie-Tooth, Type 1; Charcot-Marie-Tooth disease type 1. Identifiers: Orphanet 65753, MedGen C0751036, MONDO:0019011.

Submission:

Labcorp Genetics (formerly Invitae), Labcorp
Classification: Pathogenic for Charcot-Marie-Tooth disease, type I. Last evaluated: 2024-05-18. Review status: criteria provided, single submitter. Criteria: Invitae Variant Classification Sherloc (09022015). Collection method: clinical testing. Allele origin: germline.
Comment: This sequence change creates a premature translational stop signal (p.Val165Cysfs*70) in the MPZ gene. While this is not anticipated to result in nonsense mediated decay, it is expected to disrupt the last 84 amino acid(s) of the MPZ protein. This variant is not present in population databases (gnomAD no frequency). This variant has not been reported in the literature in individuals affected with MPZ-related conditions. ClinVar contains an entry for this variant (Variation ID: 949390). This variant disrupts a region of the MPZ protein in which other variant(s) (p.Thr216Asnfs*19, p.Ala189Glyfs*47, p.Glu222Valfs*14) have been determined to be pathogenic (PMID: 7530550, 9588852, 26310628). This suggests that this is a clinically significant region of the protein, and that variants that disrupt it are likely to be disease-causing. For these reasons, this variant has been classified as Pathogenic.

Literature cited by the submitters: PubMed 7530550; PubMed 9588852; PubMed 26310628.

NM_000530.8(MPZ):c.491dup (p.Val165fs)

Gene: MPZ (myelin protein zero; minus strand). Cytogenetic location: 1q23.3.
Variant type: Duplication.
Coding change: c.491dup on transcript NM_000530.8 (MANE Select); coding-DNA position 491, one base duplicated (G; older notation c.491dupG).
Protein change: p.Val165fs; shifts the reading frame from valine 165.
Molecular consequence: frameshift variant.
Genome position (GRCh38, 1-based): chr1:161,306,422, C duplicated on the plus strand (G on the coding strand, the reverse complement: MPZ is on the minus strand); the first of 5 consecutive C bases (chr1:161,306,422-161,306,426); duplicating any one gives the same sequence. VCF-style (leftmost placement, unchanged base first): chr1-161306421-A-AC. GRCh37 (hg19) VCF-style: chr1-161276211-A-AC.
Other names: c.491dup, p.Val165fs (NM_001315491.2); short protein forms V165fs.
Identifiers: ClinVar variation 949390 (VCV000949390.9), dbSNP rs1558153783, ClinGen allele CA1139656404.